The following is an entry in ClinVar:

ClinVar aggregate classification (germline): Conflicting classifications of pathogenicity. Review status: criteria provided, conflicting classifications (1 of 4 stars). 4 submissions from 4 submitters: Uncertain significance (3); Likely benign (1). Last evaluated 2023-03-23.

Conditions:
Hereditary cancer-predisposing syndrome. Also called: Hereditary neoplastic syndrome; Tumor predisposition; Neoplastic Syndromes, Hereditary; Hereditary Cancer Syndrome. Identifiers: Orphanet 140162, MedGen C0027672, MeSH D009386, MONDO:0015356.
Hereditary breast ovarian cancer syndrome. Also called: Hereditary breast and ovarian cancer; Hereditary breast and/or ovarian cancer syndrome; Hereditary breast and ovarian cancer syndrome; Hereditary breast and ovarian cancer syndrome (HBOC); Breast and ovarian cancer; BRCA1- and BRCA2-Associated Hereditary Breast and Ovarian Cancer. Identifiers: Orphanet 145, MedGen C0677776, MeSH D061325, MONDO:0003582. Disease mechanism: loss of function.

Allele frequency attached by ClinVar (database versions not stated): gnomAD exomes below 0.00001.
gnomAD v4.1: 1 of 1,614,004 alleles (0.000062%); highest among the groups gnomAD compares: African/African-American, 0.0013%; no homozygotes.

Submissions (4):

University of Washington Department of Laboratory Medicine, University of Washington
Classification: Likely benign for Hereditary cancer-predisposing syndrome. Last evaluated: 2023-03-23. Review status: criteria provided, single submitter. Criteria: Dines et al. (Genet Med. 2020). Collection method: curation. Allele origin: germline.
Comment: Missense variant in a coldspot region where missense variants are very unlikely to be pathogenic (PMID:31911673).

BRCA2 exon 11 coldspot. Reclassification based on statistical prior probability.

Ambry Genetics
Classification: Uncertain significance for Hereditary cancer-predisposing syndrome. Last evaluated: 2021-12-15. Review status: criteria provided, single submitter. Criteria: Ambry Variant Classification Scheme 2023. Collection method: clinical testing. Allele origin: germline.
Comment: The p.H2248R variant (also known as c.6743A>G), located in coding exon 10 of the BRCA2 gene, results from an A to G substitution at nucleotide position 6743. The histidine at codon 2248 is replaced by arginine, an amino acid with highly similar properties. This amino acid position is not well conserved in available vertebrate species. In addition, the in silico prediction for this alteration is inconclusive. Since supporting evidence is limited at this time, the clinical significance of this alteration remains unclear.

Labcorp Genetics (formerly Invitae), Labcorp
Classification: Uncertain significance for Hereditary breast ovarian cancer syndrome. Last evaluated: 2017-11-22. Review status: criteria provided, single submitter. Criteria: Invitae Variant Classification Sherloc (09022015). Collection method: clinical testing. Allele origin: germline.
Comment: In summary, the available evidence is currently insufficient to determine the role of this variant in disease. Therefore, it has been classified as a Variant of Uncertain Significance. Algorithms developed to predict the effect of missense changes on protein structure and function output the following: SIFT: "Tolerated"; PolyPhen-2: "Benign"; Align-GVGD: "Class C0". The arginine amino acid residue is found in multiple mammalian species, suggesting that this missense change does not adversely affect protein function. These predictions have not been confirmed by published functional studies and their clinical significance is uncertain. This variant has not been reported in the literature in individuals with BRCA2-related disease. ClinVar contains an entry for this variant (Variation ID: 419620). This variant is not present in population databases (ExAC no frequency). This sequence change replaces histidine with arginine at codon 2248 of the BRCA2 protein (p.His2248Arg). The histidine residue is moderately conserved and there is a small physicochemical difference between histidine and arginine.

GeneDx
Classification: Uncertain significance. Last evaluated: 2015-07-30. Review status: criteria provided, single submitter. Criteria: GeneDx Variant Classification (06012015). Collection method: clinical testing. Allele origin: germline. Affected: yes.
Comment: This variant is denoted BRCA2 c.6743A>G at the cDNA level, p.His2248Arg (H2248R) at the protein level, and results in the change of a Histidine to an Arginine (CAT>CGT). Using alternate nomenclature, this variant would be defined as BRCA2 6971A>G. This variant has not, to our knowledge, been published in the literature as pathogenic or benign. BRCA2 His2248Arg was not observed in approximately 6,500 individuals of European and African American ancestry in the NHLBI Exome Sequencing Project, indicating it is not a common benign variant in these populations. Since Histidine and Arginine share similar properties, this is considered a conservative amino acid substitution. BRCA2 His2248Arg occurs at a position that is not conserved and is not located in a known functional domain (UniProt). In silico analyses predict that this variant is unlikely to alter protein structure or function. Based on currently available information, it is unclear whether BRCA2 His2248Arg is pathogenic or benign. We consider it to be a variant of uncertain significance.

NM_000059.4(BRCA2):c.6743A>G (p.His2248Arg)

Gene: BRCA2 (BRCA2 DNA repair associated; plus strand). Cytogenetic location: 13q13.1.
Variant type: single nucleotide variant.
Coding change: c.6743A>G on transcript NM_000059.4 (MANE Select); coding-DNA position 6743, A replaced by G.
Protein change: p.His2248Arg; replaces histidine 2248 with arginine.
Molecular consequence: missense variant.
Genome position (GRCh38, 1-based): chr13:32,341,098, A>G. VCF-style: chr13-32341098-A-G. GRCh37 (hg19) VCF-style: chr13-32915235-A-G.
Other names: short protein forms H2248R.
Identifiers: ClinVar variation 419620 (VCV000419620.15), dbSNP rs1064793995, ClinGen allele CA16619752.